The following is an entry in ClinVar:

ClinVar aggregate classification (germline): Uncertain significance (1 of 4 stars; one submission).

Allele frequency attached by ClinVar (database versions not stated): gnomAD exomes below 0.00001; TOPMed below 0.00001; gnomAD 0.00001; ExAC 0.00002.
gnomAD v4.1: 4 of 1,613,942 alleles (0.00025%); highest among the groups gnomAD compares: South Asian, 0.0022%; 1 homozygote.

Submission:

Labcorp Genetics (formerly Invitae), Labcorp
Classification: Uncertain significance. Last evaluated: 2022-03-12. Review status: criteria provided, single submitter. Criteria: Invitae Variant Classification Sherloc (09022015). Collection method: clinical testing. Allele origin: germline.
Comment: This variant has not been reported in the literature in individuals affected with EMC1-related conditions. In summary, the available evidence is currently insufficient to determine the role of this variant in disease. Therefore, it has been classified as a Variant of Uncertain Significance. Algorithms developed to predict the effect of missense changes on protein structure and function (SIFT, PolyPhen-2, Align-GVGD) all suggest that this variant is likely to be tolerated. This variant is not present in population databases (gnomAD no frequency). This sequence change replaces threonine, which is neutral and polar, with alanine, which is neutral and non-polar, at codon 150 of the EMC1 protein (p.Thr150Ala).

NM_015047.3(EMC1):c.448A>G (p.Thr150Ala)

Gene: EMC1 (ER membrane protein complex subunit 1; minus strand). Cytogenetic location: 1p36.13.
Variant type: single nucleotide variant.
Coding change: c.448A>G on transcript NM_015047.3 (MANE Select); coding-DNA position 448, A replaced by G.
Protein change: p.Thr150Ala; replaces threonine 150 with alanine.
Molecular consequence: missense variant.
Genome position (GRCh38, 1-based): chr1:19,242,406, T>C on the plus strand (A>G on the coding strand, the complement: EMC1 is on the minus strand). VCF-style: chr1-19242406-T-C. GRCh37 (hg19) VCF-style: chr1-19568900-T-C.
Other names: c.448A>G, p.Thr150Ala (NM_001271427.2, NM_001271428.2, NM_001375820.1 and 1 more transcripts); c.382A>G, p.Thr128Ala (NM_001271429.2); short protein forms T128A, T150A.
Identifiers: ClinVar variation 2110222 (VCV002110222.4), dbSNP rs772243812, ClinGen allele CA652910.